The following is an entry in ClinVar:

NM_018136.5(ASPM):c.593T>A (p.Leu198Ter)

Gene: ASPM (assembly factor for spindle microtubules; minus strand). Cytogenetic location: 1q31.3.
Variant type: single nucleotide variant.
Coding change: c.593T>A on transcript NM_018136.5 (MANE Select); coding-DNA position 593, T replaced by A.
Protein change: p.Leu198Ter; replaces leucine 198 with a stop codon.
Molecular consequence: nonsense.
Genome position (GRCh38, 1-based): chr1:197,143,659, A>T on the plus strand (T>A on the coding strand, the complement: ASPM is on the minus strand). VCF-style: chr1-197143659-A-T. GRCh37 (hg19) VCF-style: chr1-197112789-A-T.
Other names: c.593T>A, p.Leu198Ter (NM_001206846.2); short protein forms L198*.
Identifiers: ClinVar variation 3619601 (VCV003619601.2).

ClinVar aggregate classification (germline): Pathogenic (1 of 4 stars; one submission).

gnomAD v4.1: 2 of 1,613,536 alleles (0.00012%); no homozygotes.

Submission:

Labcorp Genetics (formerly Invitae), Labcorp
Classification: Pathogenic. Last evaluated: 2024-05-06. Review status: criteria provided, single submitter. Criteria: Invitae Variant Classification Sherloc (09022015). Collection method: clinical testing. Allele origin: germline.
Comment: This sequence change creates a premature translational stop signal (p.Leu198*) in the ASPM gene. It is expected to result in an absent or disrupted protein product. Loss-of-function variants in ASPM are known to be pathogenic (PMID: 19028728, 23611254). This variant is not present in population databases (gnomAD no frequency). This variant has not been reported in the literature in individuals affected with ASPM-related conditions. For these reasons, this variant has been classified as Pathogenic.

Literature cited by the submitters: PubMed 19028728; PubMed 23611254.